The following is an entry in ClinVar:

NM_005993.5(TBCD):c.2623G>A (p.Ala875Thr)

Gene: TBCD (tubulin folding cofactor D). Cytogenetic location: 17q25.3.
Variant type: single nucleotide variant.
Coding change: c.2623G>A on transcript NM_005993.5 (MANE Select); coding-DNA position 2623, G replaced by A.
Protein change: p.Ala875Thr; replaces alanine 875 with threonine.
Molecular consequence: missense variant.
Genome position (GRCh38, 1-based): chr17:82,927,918, G>A. VCF-style: chr17-82927918-G-A. GRCh37 (hg19) VCF-style: chr17-80885794-G-A.
Other names: c.2572G>A, p.Ala858Thr (NM_001411101.1); c.2542G>A, p.Ala848Thr (NM_001411102.1); short protein forms A875T, A848T, A858T.
Identifiers: ClinVar variation 2112639 (VCV002112639.2), dbSNP rs1336369381, ClinGen allele CA401634332.

ClinVar aggregate classification (germline): Uncertain significance. Review status: criteria provided, multiple submitters, no conflicts (2 of 4 stars). 2 submissions from 2 submitters: Uncertain significance (2). Last evaluated 2023-09-20.

Allele frequency attached by ClinVar (database versions not stated): gnomAD 0.00001.
gnomAD v4.1: 14 of 1,613,308 alleles (0.00087%); highest among the groups gnomAD compares: South Asian, 0.0022%; no homozygotes.

Submissions (2):

Blueprint Genetics
Classification: Uncertain significance. Last evaluated: 2023-09-20. Review status: criteria provided, single submitter. Criteria: ACMG Guidelines, 2015. Collection method: clinical testing. Allele origin: germline.

Labcorp Genetics (formerly Invitae), Labcorp
Classification: Uncertain significance. Last evaluated: 2022-08-10. Review status: criteria provided, single submitter. Criteria: Invitae Variant Classification Sherloc (09022015). Collection method: clinical testing. Allele origin: germline.
Comment: This sequence change replaces alanine, which is neutral and non-polar, with threonine, which is neutral and polar, at codon 875 of the TBCD protein (p.Ala875Thr). This variant is present in population databases (no rsID available, gnomAD 0.02%). This variant has not been reported in the literature in individuals affected with TBCD-related conditions. Algorithms developed to predict the effect of missense changes on protein structure and function are either unavailable or do not agree on the potential impact of this missense change (SIFT: "Deleterious"; PolyPhen-2: "Benign"; Align-GVGD: "Class C0"). In summary, the available evidence is currently insufficient to determine the role of this variant in disease. Therefore, it has been classified as a Variant of Uncertain Significance.